The following is an entry in ClinVar:

NM_003803.4(MYOM1):c.4144A>G (p.Asn1382Asp)

Gene: MYOM1 (myomesin 1; minus strand). Cytogenetic location: 18p11.31.
Variant type: single nucleotide variant.
Coding change: c.4144A>G on transcript NM_003803.4 (MANE Select); coding-DNA position 4144, A replaced by G.
Protein change: p.Asn1382Asp; replaces asparagine 1382 with aspartic acid.
Molecular consequence: missense variant.
Genome position (GRCh38, 1-based): chr18:3,086,145, T>C on the plus strand (A>G on the coding strand, the complement: MYOM1 is on the minus strand). VCF-style: chr18-3086145-T-C. GRCh37 (hg19) VCF-style: chr18-3086143-T-C.
Other names: c.3856A>G, p.Asn1286Asp (NM_019856.2); short protein forms N1286D, N1382D.
Identifiers: ClinVar variation 1738190 (VCV001738190.3), dbSNP rs1185452911, ClinGen allele CA401711058.

ClinVar aggregate classification (germline): Uncertain significance. Review status: criteria provided, multiple submitters, no conflicts (2 of 4 stars). 2 submissions from 2 submitters: Uncertain significance (2). Last evaluated 2025-07-27.

Conditions:
Hypertrophic cardiomyopathy. Also called: HYPERTROPHIC MYOCARDIOPATHY. Identifiers: Orphanet 217569, MedGen C0007194, MeSH D002312, MONDO:0005045, HP:0001639.

Allele frequency attached by ClinVar (database versions not stated): gnomAD exomes below 0.00001; TOPMed below 0.00001.
gnomAD v4.1: 10 of 1,585,002 alleles (0.00063%); highest among the groups gnomAD compares: African/African-American, 0.004%; no homozygotes.

Submissions (2):

Labcorp Genetics (formerly Invitae), Labcorp
Classification: Uncertain significance for Hypertrophic cardiomyopathy. Last evaluated: 2025-07-27. Review status: criteria provided, single submitter. Criteria: Invitae Variant Classification Sherloc (09022015). Collection method: clinical testing. Allele origin: germline.
Comment: This sequence change replaces asparagine, which is neutral and polar, with aspartic acid, which is acidic and polar, at codon 1382 of the MYOM1 protein (p.Asn1382Asp). This variant is not present in population databases (gnomAD no frequency). This variant has not been reported in the literature in individuals affected with MYOM1-related conditions. ClinVar contains an entry for this variant (Variation ID: 1738190). Invitae Evidence Modeling of protein sequence and biophysical properties (such as structural, functional, and spatial information, amino acid conservation, physicochemical variation, residue mobility, and thermodynamic stability) has been performed for this missense variant. However, the output from this modeling did not meet the statistical confidence thresholds required to predict the impact of this variant on MYOM1 protein function. In summary, the available evidence is currently insufficient to determine the role of this variant in disease. Therefore, it has been classified as a Variant of Uncertain Significance.

Ambry Genetics
Classification: Uncertain significance. Last evaluated: 2021-07-01. Review status: criteria provided, single submitter. Criteria: Ambry Variant Classification Scheme 2023. Collection method: clinical testing. Allele origin: germline.
Comment: The p.N1382D variant (also known as c.4144A>G), located in coding exon 29 of the MYOM1 gene, results from an A to G substitution at nucleotide position 4144. The asparagine at codon 1382 is replaced by aspartic acid, an amino acid with highly similar properties. This amino acid position is conserved. In addition, the in silico prediction for this alteration is inconclusive. Since supporting evidence is limited at this time, the clinical significance of this alteration remains unclear.